The following is an entry in ClinVar:

ClinVar aggregate classification (germline): Likely benign (1 of 4 stars; one submission).

Allele frequency attached by ClinVar (database versions not stated): ExAC 0.00003; gnomAD 0.00003; TOPMed 0.00004.
gnomAD v4.1: 34 of 1,210,381 alleles (0.0028%); highest among the groups gnomAD compares: Non-Finnish European, 0.00034%; no homozygotes.

Submission:

CeGaT Center for Human Genetics Tuebingen
Classification: Likely benign. Last evaluated: 2022-04-01. Review status: criteria provided, single submitter. Criteria: CeGaT Center For Human Genetics Tuebingen Variant Classification Criteria Version 2. Collection method: clinical testing. Allele origin: germline. Affected: yes. Observed: 1 variant allele.
Comment: PCDH11X: BP4, BP7

NM_032968.5(PCDH11X):c.3915C>T (p.Tyr1305=)

Gene: PCDH11X (protocadherin 11 X-linked; plus strand). Cytogenetic location: Xq21.31.
Variant type: single nucleotide variant.
Coding change: c.3915C>T on transcript NM_032968.5 (MANE Select); coding-DNA position 3915, C replaced by T.
Protein change: p.Tyr1305=; no amino-acid change (tyrosine 1305 retained).
Molecular consequence: synonymous variant. On other transcripts: 3 prime UTR variant (1).
Genome position (GRCh38, 1-based): chrX:92,618,811, C>T. VCF-style: chrX-92618811-C-T. GRCh37 (hg19) VCF-style: chrX-91873810-C-T.
Other names: c.3891C>T, p.Tyr1297= (NM_001168360.1); c.*554C>T (NM_001168361.1); c.3804C>T, p.Tyr1268= (NM_001168362.1); c.3861C>T, p.Tyr1287= (NM_001168363.1); c.3885C>T, p.Tyr1295= (NM_032969.4).
Identifiers: ClinVar variation 2661016 (VCV002661016.24), dbSNP rs745574714, ClinGen allele CA10467438.
Genomic context (GRCh38, chrX:92,618,811, plus strand): 5'-TGCTGATGGGCTATGCTCTGTTGATCAGGGAGTGCAAGGTAGTGCAACATCTCAGTTTTA[C>T]ACCATGTCTGAAAGACTTCATCCCAGTGATGATTCAATTAAAGTCATTCCTTTGACAACC-3'
Protein context (NP_116750.1, residues 1295-1315): GVQGSATSQF[Tyr1305=]TMSERLHPSD